The following is an entry in ClinVar:

NM_182493.3(MYLK3):c.1481C>G (p.Pro494Arg)

Gene: MYLK3 (myosin light chain kinase 3; minus strand). Cytogenetic location: 16q11.2.
Variant type: single nucleotide variant.
Coding change: c.1481C>G on transcript NM_182493.3 (MANE Select); coding-DNA position 1481, C replaced by G.
Protein change: p.Pro494Arg; replaces proline 494 with arginine.
Molecular consequence: missense variant.
Genome position (GRCh38, 1-based): chr16:46,730,680, G>C on the plus strand (C>G on the coding strand, the complement: MYLK3 is on the minus strand). VCF-style: chr16-46730680-G-C. GRCh37 (hg19) VCF-style: chr16-46764592-G-C.
Other names: c.458C>G, p.Pro153Arg (NM_001308301.1); short protein forms P494R, P153R.
Identifiers: ClinVar variation 4719478 (VCV004719478.1).
Genomic context (GRCh38, chr16:46,730,680, plus strand): 5'-TCGTAACCCGCAGAGATGGAGGTCTCCTTGACGCTCACTACCCGGTGTTCAAAAGGAGCT[G>C]GTGGGGCCGGACTGTCATCTGCTCAGGAGGCAATAAGGACCTGTGAGCCTCCTCTGTGCA-3'
Protein context (NP_872299.2, residues 484-504): SVVLDDSPAP[Pro494Arg]APFEHRVVSV

ClinVar aggregate classification (germline): Uncertain significance (1 of 4 stars; one submission).

Submission:

Labcorp Genetics (formerly Invitae), Labcorp
Classification: Uncertain significance. Last evaluated: 2025-05-13. Review status: criteria provided, single submitter. Criteria: Invitae Variant Classification Sherloc (09022015). Collection method: clinical testing. Allele origin: germline.
Comment: This sequence change replaces proline, which is neutral and non-polar, with arginine, which is basic and polar, at codon 494 of the MYLK3 protein (p.Pro494Arg). This variant is not present in population databases (gnomAD no frequency). This variant has not been reported in the literature in individuals affected with MYLK3-related conditions. An algorithm developed to predict the effect of missense changes on protein structure and function (PolyPhen-2) suggests that this variant is likely to be tolerated. In summary, the available evidence is currently insufficient to determine the role of this variant in disease. Therefore, it has been classified as a Variant of Uncertain Significance.